The following is an entry in ClinVar:

ClinVar aggregate classification (germline): Uncertain significance. Review status: criteria provided, single submitter (1 of 4 stars). 2 submissions from 2 submitters: Uncertain significance (1). 1 of the submissions does not count toward it. Last evaluated 2025-07-02.

Conditions:
Charcot-Marie-Tooth disease axonal type 2O. Also called: Charcot-Marie-Tooth disease, axonal, type 20; CHARCOT-MARIE-TOOTH NEUROPATHY, AXONAL, TYPE 2O; CHARCOT-MARIE-TOOTH DISEASE, AXONAL, AUTOSOMAL DOMINANT, TYPE 2O; Charcot-Marie-Tooth Neuropathy Type 2O. Identifiers: Orphanet 284232, MedGen C3280220, MONDO:0013644, OMIM 614228.
Charcot-Marie-Tooth disease. Also called: Charcot-Marie-Tooth Neuropathy; Charcot-Marie-Tooth Hereditary Neuropathy. Identifiers: Orphanet 166, MedGen C0007959, MONDO:0015626.

Allele frequency attached by ClinVar (database versions not stated): TOPMed below 0.00001; gnomAD 0.00001; gnomAD exomes 0.00001 and 0.00002; ExAC 0.00002.
gnomAD v4.1: 10 of 1,614,192 alleles (0.00062%); highest among the groups gnomAD compares: South Asian, 0.0033%; no homozygotes.

Submissions (2):

Labcorp Genetics (formerly Invitae), Labcorp
Classification: Uncertain significance for Charcot-Marie-Tooth disease axonal type 2O. Last evaluated: 2025-07-02. Review status: criteria provided, single submitter. Criteria: Invitae Variant Classification Sherloc (09022015). Collection method: clinical testing. Allele origin: germline.
Comment: This sequence change replaces arginine, which is basic and polar, with tryptophan, which is neutral and slightly polar, at codon 4638 of the DYNC1H1 protein (p.Arg4638Trp). This variant is present in population databases (rs200224597, gnomAD 0.01%). This missense change has been observed in individual(s) with hereditary sensory neuropathy (PMID: 26100331). ClinVar contains an entry for this variant (Variation ID: 694873). Invitae Evidence Modeling of protein sequence and biophysical properties (such as structural, functional, and spatial information, amino acid conservation, physicochemical variation, residue mobility, and thermodynamic stability) has been performed for this missense variant. However, the output from this modeling did not meet the statistical confidence thresholds required to predict the impact of this variant on DYNC1H1 protein function. In summary, the available evidence is currently insufficient to determine the role of this variant in disease. Therefore, it has been classified as a Variant of Uncertain Significance.

Genesis Genome Database
Classification: Uncertain significance for Charcot-Marie-Tooth disease. Last evaluated: 2019-08-14. Review status: no assertion criteria provided. Collection method: research. Allele origin: germline. Affected: yes. Not counted in ClinVar's aggregate classification.

Literature cited by the submitters: PubMed 26100331 (cited by Labcorp Genetics (formerly Invitae), Labcorp).

NM_001376.5(DYNC1H1):c.13912C>T (p.Arg4638Trp)

Gene: DYNC1H1 (dynein cytoplasmic 1 heavy chain 1; plus strand). Cytogenetic location: 14q32.31.
Variant type: single nucleotide variant.
Coding change: c.13912C>T on transcript NM_001376.5 (MANE Select); coding-DNA position 13912, C replaced by T.
Protein change: p.Arg4638Trp; replaces arginine 4638 with tryptophan.
Molecular consequence: missense variant.
Genome position (GRCh38, 1-based): chr14:102,050,534, C>T. VCF-style: chr14-102050534-C-T. GRCh37 (hg19) VCF-style: chr14-102516871-C-T.
Other names: short protein forms R4638W.
Identifiers: ClinVar variation 694873 (VCV000694873.8), dbSNP rs200224597, ClinGen allele CA7354395.
Genomic context (GRCh38, chr14:102,050,534, plus strand): 5'-CTCATCTTCACCGTGGACTTCGAAATTGCTACAAAGGAGGATCCTCGCAGCTTCTACGAG[C>T]GGGGTGTCGCAGTCTTGTGCACAGAGTAAACTTTTCTAGCTGCCCCTTTCTGTAATAGTG-3'
Protein context (NP_001367.2, residues 4628-4646): TKEDPRSFYE[Arg4638Trp]GVAVLCTE